The following is an entry in ClinVar:

ClinVar aggregate classification (germline): Uncertain significance (1 of 4 stars; one submission).

Allele frequency attached by ClinVar (database versions not stated): TOPMed below 0.00001; gnomAD 0.00001.
gnomAD v4.1: 5 of 1,613,974 alleles (0.00031%); highest among the groups gnomAD compares: Admixed American, 0.0017%; no homozygotes.

Submission:

Labcorp Genetics (formerly Invitae), Labcorp
Classification: Uncertain significance. Last evaluated: 2023-10-13. Review status: criteria provided, single submitter. Criteria: Invitae Variant Classification Sherloc (09022015). Collection method: clinical testing. Allele origin: germline.
Comment: This sequence change replaces alanine, which is neutral and non-polar, with threonine, which is neutral and polar, at codon 219 of the ANK3 protein (p.Ala219Thr). This variant is not present in population databases (gnomAD no frequency). This variant has not been reported in the literature in individuals affected with ANK3-related conditions. Advanced modeling of protein sequence and biophysical properties (such as structural, functional, and spatial information, amino acid conservation, physicochemical variation, residue mobility, and thermodynamic stability) performed at Invitae indicates that this missense variant is not expected to disrupt ANK3 protein function. In summary, the available evidence is currently insufficient to determine the role of this variant in disease. Therefore, it has been classified as a Variant of Uncertain Significance.

NM_020987.5(ANK3):c.655G>A (p.Ala219Thr)

Gene: ANK3 (ankyrin 3; minus strand). Cytogenetic location: 10q21.2.
Variant type: single nucleotide variant.
Coding change: c.655G>A on transcript NM_020987.5 (MANE Select); coding-DNA position 655, G replaced by A.
Protein change: p.Ala219Thr; replaces alanine 219 with threonine.
Molecular consequence: missense variant.
Genome position (GRCh38, 1-based): chr10:60,263,879, C>T on the plus strand (G>A on the coding strand, the complement: ANK3 is on the minus strand). VCF-style: chr10-60263879-C-T. GRCh37 (hg19) VCF-style: chr10-62023637-C-T.
Other names: c.637G>A, p.Ala213Thr (NM_001204403.2); c.604G>A, p.Ala202Thr (NM_001204404.2); c.655G>A, p.Ala219Thr (NM_001320874.2); short protein forms A219T, A213T, A202T.
Identifiers: ClinVar variation 2871455 (VCV002871455.3), dbSNP rs2097844113, ClinGen allele CA376992072.